The following is an entry in ClinVar:

NM_005618.4(DLL1):c.1183G>A (p.Val395Met)

Gene: DLL1 (delta like canonical Notch ligand 1; minus strand). Cytogenetic location: 6q27.
Variant type: single nucleotide variant.
Coding change: c.1183G>A on transcript NM_005618.4 (MANE Select); coding-DNA position 1183, G replaced by A.
Protein change: p.Val395Met; replaces valine 395 with methionine.
Molecular consequence: missense variant.
Genome position (GRCh38, 1-based): chr6:170,284,985, C>T on the plus strand (G>A on the coding strand, the complement: DLL1 is on the minus strand). VCF-style: chr6-170284985-C-T. GRCh37 (hg19) VCF-style: chr6-170594073-C-T.
Other names: c.1183G>A (NM_005618.3); short protein forms V395M.
Identifiers: ClinVar variation 2751412 (VCV002751412.4), dbSNP rs149451070, ClinGen allele CA4106909.

ClinVar aggregate classification (germline): Conflicting classifications of pathogenicity. Review status: criteria provided, conflicting classifications (1 of 4 stars). 2 submissions from 2 submitters: Uncertain significance (1); Likely benign (1). Last evaluated 2025-04-14.

Conditions:
Inborn genetic diseases. Identifiers: MedGen C0950123, MeSH D030342.

Allele frequency attached by ClinVar (database versions not stated): gnomAD exomes 0.00002; gnomAD 0.00008; ExAC 0.00005; TOPMed 0.00013; ESP Exome Variant Server 0.00015.

Submissions (2):

Labcorp Genetics (formerly Invitae), Labcorp
Classification: Uncertain significance. Last evaluated: 2025-04-14. Review status: criteria provided, single submitter. Criteria: Invitae Variant Classification Sherloc (09022015). Collection method: clinical testing. Allele origin: germline.
Comment: This sequence change replaces valine, which is neutral and non-polar, with methionine, which is neutral and non-polar, at codon 395 of the DLL1 protein (p.Val395Met). This variant is present in population databases (rs149451070, gnomAD 0.02%). This variant has not been reported in the literature in individuals affected with DLL1-related conditions. ClinVar contains an entry for this variant (Variation ID: 2751412). An algorithm developed to predict the effect of missense changes on protein structure and function (PolyPhen-2) suggests that this variant is likely to be tolerated. In summary, the available evidence is currently insufficient to determine the role of this variant in disease. Therefore, it has been classified as a Variant of Uncertain Significance.

Ambry Genetics
Classification: Likely benign for Inborn genetic diseases. Last evaluated: 2024-12-06. Review status: criteria provided, single submitter. Criteria: Ambry Variant Classification Scheme 2023. Collection method: clinical testing. Allele origin: germline.